The following is an entry in ClinVar:

NM_007118.4(TRIO):c.2046G>A (p.Glu682=)

Gene: TRIO (trio Rho guanine nucleotide exchange factor; plus strand). Cytogenetic location: 5p15.2.
Variant type: single nucleotide variant.
Coding change: c.2046G>A on transcript NM_007118.4 (MANE Select); coding-DNA position 2046, G replaced by A.
Protein change: p.Glu682=; no amino-acid change (glutamic acid 682 retained).
Molecular consequence: synonymous variant. On other transcripts: non-coding transcript variant (1).
Genome position (GRCh38, 1-based): chr5:14,336,727, G>A. VCF-style: chr5-14336727-G-A. GRCh37 (hg19) VCF-style: chr5-14336836-G-A.
Identifiers: ClinVar variation 1700935 (VCV001700935.2), dbSNP rs2152319409, ClinGen allele CA443276068.

ClinVar aggregate classification (germline): Uncertain significance (1 of 4 stars; one submission).

gnomAD v4.1: 1 of 1,614,090 alleles (0.000062%); highest among the groups gnomAD compares: Non-Finnish European, 0.000085%; no homozygotes.

Submission:

GeneDx
Classification: Uncertain significance. Last evaluated: 2022-02-10. Review status: criteria provided, single submitter. Criteria: GeneDx Variant Classification Process June 2021. Collection method: clinical testing. Allele origin: germline. Affected: yes.
Comment: Not observed at significant frequency in large population cohorts (gnomAD); In silico analysis supports a deleterious effect on splicing; Has not been previously published as pathogenic or benign to our knowledge